The following is an entry in ClinVar:

NM_004304.5(ALK):c.1582G>A (p.Ala528Thr)

Gene: ALK (ALK receptor tyrosine kinase; minus strand). Cytogenetic location: 2p23.2.
Variant type: single nucleotide variant.
Coding change: c.1582G>A on transcript NM_004304.5 (MANE Select); coding-DNA position 1582, G replaced by A.
Protein change: p.Ala528Thr; replaces alanine 528 with threonine.
Molecular consequence: missense variant.
Genome position (GRCh38, 1-based): chr2:29,318,369, C>T on the plus strand (G>A on the coding strand, the complement: ALK is on the minus strand). VCF-style: chr2-29318369-C-T. GRCh37 (hg19) VCF-style: chr2-29541235-C-T.
Other names: short protein forms A528T.
Identifiers: ClinVar variation 580080 (VCV000580080.17), dbSNP rs758494304, ClinGen allele CA1594597.

ClinVar aggregate classification (germline): Conflicting classifications of pathogenicity. Review status: criteria provided, conflicting classifications (1 of 4 stars). 5 submissions from 4 submitters: Uncertain significance (4); Likely benign (1). Last evaluated 2025-10-13.

Conditions:
Neuroblastoma, susceptibility to, 3. Also called: ALK-Related Neuroblastic Tumor Susceptibility. Identifiers: Orphanet 635, MedGen C2751681, MONDO:0013083, OMIM 613014.
Hereditary cancer-predisposing syndrome. Also called: Neoplastic Syndromes, Hereditary; Hereditary Cancer Syndrome; Hereditary neoplastic syndrome; Tumor predisposition. Identifiers: Orphanet 140162, MedGen C0027672, MeSH D009386, MONDO:0015356.
Familial isolated pituitary adenoma. Identifiers: Orphanet 314777, MedGen C2676191, MONDO:0017824.

Allele frequency attached by ClinVar (database versions not stated): gnomAD exomes 0.00004; TOPMed 0.00004; gnomAD 0.00002; ExAC 0.00003.
gnomAD v4.1: 86 of 1,613,760 alleles (0.0053%); highest among the groups gnomAD compares: Middle Eastern, 0.016%; no homozygotes.

Submissions (5):

Labcorp Genetics (formerly Invitae), Labcorp
Classification: Uncertain significance for Neuroblastoma, susceptibility to, 3. Last evaluated: 2025-10-13. Review status: criteria provided, single submitter. Criteria: Invitae Variant Classification Sherloc (09022015). Collection method: clinical testing. Allele origin: germline.
Comment: This sequence change replaces alanine, which is neutral and non-polar, with threonine, which is neutral and polar, at codon 528 of the ALK protein (p.Ala528Thr). This variant is present in population databases (rs758494304, gnomAD 0.007%). This variant has not been reported in the literature in individuals affected with ALK-related conditions. ClinVar contains an entry for this variant (Variation ID: 580080). An algorithm developed to predict the effect of missense changes on protein structure and function outputs the following: PolyPhen-2: "Benign". The threonine amino acid residue is found in multiple mammalian species, which suggests that this missense change does not adversely affect protein function. In summary, the available evidence is currently insufficient to determine the role of this variant in disease. Therefore, it has been classified as a Variant of Uncertain Significance.

Dasa
Classification: Uncertain significance. Last evaluated: 2025-07-10. Review status: criteria provided, single submitter. Criteria: DASA Assertion Criteria. Collection method: clinical testing. Allele origin: germline.
Comment: NM_004304.5(ALK):c.1582G>A (p.Ala528Thr) is a missense variant that results in the substitution of alanine with threonine. This variant is rare in population databases. Computational prediction algorithms are consistent with a benign effect. The currently available literature and clinical evidence are not sufficient to establish a definitive association between this variant and the reported condition. Therefore, this variant is classified as a variant of uncertain significance.

Ambry Genetics
Classification: Likely benign for Hereditary cancer-predisposing syndrome. Last evaluated: 2024-12-09. Review status: criteria provided, single submitter. Criteria: Ambry Variant Classification Scheme 2023. Collection method: clinical testing. Allele origin: germline.

St. Jude Molecular Pathology, St. Jude Children's Research Hospital
Classification: Uncertain significance for Neuroblastoma, susceptibility to, 3. Last evaluated: 2022-09-06. Review status: criteria provided, single submitter. Criteria: St. Jude Assertion Criteria 2020. Collection method: clinical testing. Allele origin: germline.
Comment: The ALK c.1582G>A (p.Ala528Thr) missense change has a maximum subpopulation frequency of 0.0079% in gnomAD v2.1.1. The in silico tool REVEL predicts a benign effect on protein function, but to our knowledge this prediction has not been confirmed by functional studies. To our knowledge, this variant has not been reported in the literature in individuals with ALK-related neuroblastic tumor susceptibility. In summary, the evidence currently available is insufficient to determine the clinical significance of this variant. It has therefore been classified as of uncertain significance.

St. Jude Molecular Pathology, St. Jude Children's Research Hospital
Classification: Uncertain significance for Familial isolated pituitary adenoma. Last evaluated: 2021-05-20. Review status: criteria provided, single submitter. Criteria: St. Jude Assertion Criteria 2020. Collection method: clinical testing. Allele origin: germline.